The following is an entry in ClinVar:

ClinVar aggregate classification (germline): Likely benign. Review status: criteria provided, multiple submitters, no conflicts (2 of 4 stars). 5 submissions from 5 submitters: Likely benign (5). Last evaluated 2025-10-02.

Conditions:
Hypertrophic cardiomyopathy. Also called: HYPERTROPHIC MYOCARDIOPATHY. Identifiers: Orphanet 217569, MedGen C0007194, MeSH D002312, MONDO:0005045, HP:0001639.
Cardiovascular phenotype. Identifiers: MedGen CN230736.
Cardiomyopathy (CMYO). Also called: Cardiomyopathies. Identifiers: Orphanet 167848, MedGen C0878544, MONDO:0004994, HP:0001638. Inheritance: Various modes of inheritance.

Allele frequency attached by ClinVar (database versions not stated): ExAC 0.00002; TOPMed 0.00002.

Submissions (5):

Labcorp Genetics (formerly Invitae), Labcorp
Classification: Likely benign for Hypertrophic cardiomyopathy. Last evaluated: 2025-10-02. Review status: criteria provided, single submitter. Criteria: Invitae Variant Classification Sherloc (09022015). Collection method: clinical testing. Allele origin: germline.

Blueprint Genetics
Classification: Likely benign. Last evaluated: 2024-05-23. Review status: criteria provided, single submitter. Criteria: ACMG Guidelines, 2015. Collection method: clinical testing. Allele origin: germline.

All of Us Research Program, National Institutes of Health
Classification: Likely benign for Cardiomyopathy. Last evaluated: 2023-12-13. Review status: criteria provided, single submitter. Criteria: ACMG Guidelines, 2015. Collection method: clinical testing. Allele origin: germline. Inheritance: Autosomal dominant inheritance. Observed: 4 variant alleles, 4 heterozygotes.
Comment: This study involves interpretation of variants in research participants for the purpose of population health screening. Participant phenotype was not available at the time of variant classification. Additional details can be found in publication PMID: 35346344, PMCID: PMC8962531

Ambry Genetics
Classification: Likely benign for Cardiovascular phenotype. Last evaluated: 2018-11-27. Review status: criteria provided, single submitter. Criteria: Ambry Variant Classification Scheme 2023. Collection method: clinical testing. Allele origin: germline.

Color Diagnostics, LLC DBA Color Health
Classification: Likely benign for Cardiomyopathy. Last evaluated: 2018-10-15. Review status: criteria provided, single submitter. Criteria: ACMG Guidelines, 2015. Collection method: clinical testing. Allele origin: germline.

NM_000257.4(MYH7):c.2301C>T (p.Ala767=)

Genes: MYH7 (myosin heavy chain 7; minus strand), LOC126861898 (BRD4-independent group 4 enhancer GRCh37_chr14:23893609-23894808; plus strand). Cytogenetic location: 14q11.2.
Variant type: single nucleotide variant.
Coding change: c.2301C>T on transcript NM_000257.4 (MANE Select); coding-DNA position 2301, C replaced by T.
Protein change: p.Ala767=; no amino-acid change (alanine 767 retained).
Molecular consequence: synonymous variant.
Genome position (GRCh38, 1-based): chr14:23,425,404, G>A on the plus strand (C>T on the coding strand, the complement: MYH7 is on the minus strand). VCF-style: chr14-23425404-G-A. GRCh37 (hg19) VCF-style: chr14-23894613-G-A.
Identifiers: ClinVar variation 629526 (VCV000629526.15), dbSNP rs768380939, ClinGen allele CA032209.
Genomic context (GRCh38, chr14:23,425,404, plus strand): 5'-ACGCGTGATGATGCGGCTCAGCCTCTCGTCCCTCATTTCCTCCAGCAGCCCCAGCAGCCC[G>A]GCCTTGAAGAACACCTGCAGGCAAGGTGTGTGTTGGCCATGACTAGGGAGGGGTACGAGG-3'
Protein context (NP_000248.2, residues 757-777): KFGHTKVFFK[Ala767=]GLLGLLEEMR